The following is an entry in ClinVar:

NM_020338.4(ZMIZ1):c.483C>T (p.Pro161=)

Gene: ZMIZ1 (zinc finger MIZ-type containing 1; plus strand). Cytogenetic location: 10q22.3.
Variant type: single nucleotide variant.
Coding change: c.483C>T on transcript NM_020338.4 (MANE Select); coding-DNA position 483, C replaced by T.
Protein change: p.Pro161=; no amino-acid change (proline 161 retained).
Molecular consequence: synonymous variant.
Genome position (GRCh38, 1-based): chr10:79,289,832, C>T. VCF-style: chr10-79289832-C-T. GRCh37 (hg19) VCF-style: chr10-81049589-C-T.
Identifiers: ClinVar variation 2054588 (VCV002054588.26), dbSNP rs572651020, ClinGen allele CA5572344.
Genomic context (GRCh38, chr10:79,289,832, plus strand): 5'-CAGTGATGGGTCGTTCCCCTATGACTCTGTCCCTTGGCAGCAGAACACCAACCAGCCTCC[C>T]GGCTCCCTTTCCGTGGTCACCACGGTTTGGGGAGTAACCAACACATCCCAGAGCCAGGTA-3'
Protein context (NP_065071.1, residues 151-171): VPWQQNTNQP[Pro161=]GSLSVVTTVW

ClinVar aggregate classification (germline): Benign/Likely benign. Review status: criteria provided, multiple submitters, no conflicts (2 of 4 stars). 2 submissions from 2 submitters: Benign (1); Likely benign (1). Last evaluated 2025-10-02.

Allele frequency attached by ClinVar (database versions not stated): gnomAD 0.00031; ExAC 0.00122; 1000 Genomes Project 30x 0.00141; 1000 Genomes Project 0.00180.
gnomAD v4.1: 885 of 1,614,122 alleles (0.055%); highest among the groups gnomAD compares: South Asian, 0.9%; 11 homozygotes.

Submissions (2):

Labcorp Genetics (formerly Invitae), Labcorp
Classification: Benign. Last evaluated: 2025-10-02. Review status: criteria provided, single submitter. Criteria: Invitae Variant Classification Sherloc (09022015). Collection method: clinical testing. Allele origin: germline.

CeGaT Center for Human Genetics Tuebingen
Classification: Likely benign. Last evaluated: 2024-01-01. Review status: criteria provided, single submitter. Criteria: CeGaT Center For Human Genetics Tuebingen Variant Classification Criteria Version 2. Collection method: clinical testing. Allele origin: germline. Affected: yes. Observed: 1 variant allele.
Comment: ZMIZ1: BP4, BP7, BS2